The following is an entry in ClinVar:

ClinVar aggregate classification (germline): Pathogenic (0 of 4 stars; one submission).

Conditions:
Steinert myotonic dystrophy syndrome (DM1). Also called: STEINERT DISEASE; Myotonic dystrophy type 1; Dystrophia myotonica type 1; Steinert myotonic dystrophy; Steinert's disease. Identifiers: Orphanet 273, MedGen C3250443, MONDO:0008056, OMIM 160900.

Submission:

Institute of Molecular, Cell and Systems Biology, University of Glasgow
Classification: Pathogenic for Steinert myotonic dystrophy syndrome. Review status: no assertion criteria provided. Criteria: research. Collection method: research. Allele origin: germline. Inheritance: Autosomal dominant inheritance. Affected: yes. Observed: 1 heterozygote.
Comment: DMPK CTG repeat expansions greater than approximately 45-50 repeats are assumed to be pathogenic

This record is based on data published in PubMed 25052313, which reports only ClinVar accessions SCV000120188 and SCV000120189. The complete data set includes SCV000207445 - SCV000207579.

Literature cited by the submitters: PubMed 1346923; PubMed 1546326; PubMed 25052313.

NM_004409.5(DMPK):c.*224CTG[373]

Genes: DM1-AS (DM1 locus antisense RNA; plus strand), DMPK (DM1 protein kinase; minus strand), LOC107075317 (origin of replication in DMPK trinucleotide repeat region; plus strand), LOC109461477 (dystrophia myotonica protein kinase repeat instability region; plus strand). Cytogenetic location: 19q13.32.
Variant type: Microsatellite.
Coding change: c.*224CTG[373] on transcript NM_004409.5 (MANE Select); 373 copies in a row of the 3-base unit CTG starting at c.*224.
Molecular consequence: 3 prime UTR variant.
Genome position: GRCh38, VCF-style position (the base before the change): chr19:45,770,204. GRCh37 (hg19), VCF-style position (the base before the change): chr19:46,273,462.
Other names: DM1 CTG repeat expansion; c.*224CTG[373] (NM_001424169.1, NM_001081560.3, NM_001288764.2 and 1 more transcripts); c.*217CTG[373] (NM_001424166.1, NM_001081562.3, NM_001288765.2 and 2 more transcripts); c.*369CTG[373] (NM_001424168.1, NM_001288766.2, NM_001424164.1); c.*222_*224TGC[373] (NM_001081563.3).
Identifiers: ClinVar variation 187970 (VCV000187970.2), ClinGen allele CA915951780.